The following is an entry in ClinVar:

NM_001267550.2(TTN):c.2797C>T (p.Pro933Ser)

Gene: TTN (titin; minus strand). Cytogenetic location: 2q31.2.
Variant type: single nucleotide variant.
Coding change: c.2797C>T on transcript NM_001267550.2 (MANE Select); coding-DNA position 2797, C replaced by T.
Protein change: p.Pro933Ser; replaces proline 933 with serine.
Molecular consequence: missense variant.
Genome position (GRCh38, 1-based): chr2:178,783,764, G>A on the plus strand (C>T on the coding strand, the complement: TTN is on the minus strand). VCF-style: chr2-178783764-G-A. GRCh37 (hg19) VCF-style: chr2-179648491-G-A.
Other names: c.2659C>T, p.Pro887Ser (NM_003319.4, NM_133432.3, NM_133437.4); c.2797C>T, p.Pro933Ser (NM_133378.4, NM_133379.5, NM_001256850.1); short protein forms P887S, P933S.
Identifiers: ClinVar variation 2651728 (VCV002651728.24), dbSNP rs2533423607, ClinGen allele CA349494443.
Genomic context (GRCh38, chr2:178,783,764, plus strand): 5'-CAACTTCTTTACTCACCGAGACCAAAGTTGGTGGAGTAACAGGAATTTCAACAGGTGCTG[G>A]TACTCTTGCTGTTTCTGTTACCTAGATTTTTACAAATTATATTACAAAATGCTCATGAAA-3'
Protein context (NP_001254479.2, residues 923-943): EAKVTETARV[Pro933Ser]APVEIPVTPP

ClinVar aggregate classification (germline): Uncertain significance (1 of 4 stars; one submission).

Allele frequency attached by ClinVar (database versions not stated): gnomAD exomes below 0.00001.
gnomAD v4.1: 1 of 1,612,686 alleles (0.000062%); highest among the groups gnomAD compares: South Asian, 0.0011%; no homozygotes.

Submission:

CeGaT Center for Human Genetics Tuebingen
Classification: Uncertain significance. Last evaluated: 2022-08-01. Review status: criteria provided, single submitter. Criteria: CeGaT Center For Human Genetics Tuebingen Variant Classification Criteria Version 2. Collection method: clinical testing. Allele origin: germline. Affected: yes. Observed: 1 variant allele.
Comment: TTN: PM2